The following is an entry in ClinVar:

ClinVar aggregate classification (germline): Benign/Likely benign. Review status: criteria provided, multiple submitters, no conflicts (2 of 4 stars). 4 submissions from 4 submitters: Benign (2); Likely benign (1). 1 of the submissions does not count toward it. Last evaluated 2024-09-18.

Conditions:
SCYL1-related disorder. Also called: SCYL1-related condition.

Allele frequency attached by ClinVar (database versions not stated): gnomAD exomes 0.00093; ExAC 0.00108; ESP Exome Variant Server 0.00169; gnomAD 0.00188 and 0.00194; TOPMed 0.00193; 1000 Genomes Project 30x 0.00406; 1000 Genomes Project 0.00439.
gnomAD v4.1: 1,079 of 1,613,262 alleles (0.067%); highest among the groups gnomAD compares: African/African-American, 0.65%; 12 homozygotes.

Submissions (4):

Labcorp Genetics (formerly Invitae), Labcorp
Classification: Benign. Last evaluated: 2024-09-18. Review status: criteria provided, single submitter. Criteria: Invitae Variant Classification Sherloc (09022015). Collection method: clinical testing. Allele origin: germline.

CeGaT Center for Human Genetics Tuebingen
Classification: Likely benign. Last evaluated: 2024-01-01. Review status: criteria provided, single submitter. Criteria: CeGaT Center For Human Genetics Tuebingen Variant Classification Criteria Version 2. Collection method: clinical testing. Allele origin: germline. Affected: yes. Observed: 2 variant alleles.
Comment: SCYL1: BP4, BP7, BS2

Breakthrough Genomics
Classification: Benign. Review status: criteria provided, single submitter. Criteria: ACMG Guidelines, 2015. Collection method: not provided. Allele origin: germline. Inheritance: Autosomal recessive inheritance. Affected: yes.

PreventionGenetics, part of Exact Sciences
Classification: Likely benign for SCYL1-related condition. Last evaluated: 2023-12-27. Review status: no assertion criteria provided. Collection method: clinical testing. Allele origin: germline. Not counted in ClinVar's aggregate classification.
Comment: This variant is classified as likely benign based on ACMG/AMP sequence variant interpretation guidelines (Richards et al. 2015 PMID: 25741868, with internal and published modifications).

NM_020680.4(SCYL1):c.495G>A (p.Ser165=)

Gene: SCYL1 (SCY1 like pseudokinase 1; plus strand). Cytogenetic location: 11q13.1.
Variant type: single nucleotide variant.
Coding change: c.495G>A on transcript NM_020680.4 (MANE Select); coding-DNA position 495, G replaced by A.
Protein change: p.Ser165=; no amino-acid change (serine 165 retained).
Molecular consequence: synonymous variant.
Genome position (GRCh38, 1-based): chr11:65,526,243, G>A. VCF-style: chr11-65526243-G-A. GRCh37 (hg19) VCF-style: chr11-65293714-G-A.
Other names: c.495G>A, p.Ser165= (NM_001048218.2).
Identifiers: ClinVar variation 787912 (VCV000787912.32), dbSNP rs114496618, ClinGen allele CA6099515.